The following is an entry in ClinVar:

ClinVar aggregate classification (germline): Conflicting classifications of pathogenicity. Review status: criteria provided, conflicting classifications (1 of 4 stars). 3 submissions from 3 submitters: Uncertain significance (1); Likely benign (1). 1 of the submissions does not count toward it. Last evaluated 2025-09-26.

Conditions:
Inborn genetic diseases. Identifiers: MedGen C0950123, MeSH D030342.
FOXC1-related disorder. Also called: FOXC1-related condition.
Axenfeld-Rieger syndrome type 3 (RIEG3). Also called: AXENFELD-RIEGER ANOMALY WITH CARDIAC DEFECTS AND/OR SENSORINEURAL HEARING LOSS. Identifiers: Orphanet 782, MedGen C2678503, MONDO:0011233, OMIM 602482.

Allele frequency attached by ClinVar (database versions not stated): gnomAD exomes 0.00001 and 0.00021; gnomAD 0.00002; TOPMed 0.00007.

Submissions (3):

Ambry Genetics
Classification: Uncertain significance for Inborn genetic diseases. Last evaluated: 2025-09-26. Review status: criteria provided, single submitter. Criteria: Ambry Variant Classification Scheme 2023. Collection method: clinical testing. Allele origin: germline.

Labcorp Genetics (formerly Invitae), Labcorp
Classification: Likely benign for Axenfeld-Rieger syndrome type 3. Last evaluated: 2025-09-12. Review status: criteria provided, single submitter. Criteria: Invitae Variant Classification Sherloc (09022015). Collection method: clinical testing. Allele origin: germline.

PreventionGenetics, part of Exact Sciences
Classification: Likely benign for FOXC1-related condition. Last evaluated: 2024-09-08. Review status: no assertion criteria provided. Collection method: clinical testing. Allele origin: germline. Not counted in ClinVar's aggregate classification.
Comment: This variant is classified as likely benign based on ACMG/AMP sequence variant interpretation guidelines (Richards et al. 2015 PMID: 25741868, with internal and published modifications).

NM_001453.3(FOXC1):c.1320C>G (p.Ser440Arg)

Gene: FOXC1 (forkhead box C1; plus strand). Cytogenetic location: 6p25.3.
Variant type: single nucleotide variant.
Coding change: c.1320C>G on transcript NM_001453.3 (MANE Select); coding-DNA position 1320, C replaced by G.
Protein change: p.Ser440Arg; replaces serine 440 with arginine.
Molecular consequence: missense variant.
Genome position (GRCh38, 1-based): chr6:1,611,765, C>G. VCF-style: chr6-1611765-C-G. GRCh37 (hg19) VCF-style: chr6-1612000-C-G.
Other names: c.1320C>G (NM_001453.2); short protein forms S440R.
Identifiers: ClinVar variation 1607040 (VCV001607040.12), dbSNP rs998203463, ClinGen allele CA133391327.
Genomic context (GRCh38, chr6:1,611,765, plus strand): 5'-CGGCTCGGCCGTGGACGACCCCCTGCCCGACTACTCTCTGCCTCCGGTCACCAGCAGCAG[C>G]TCGTCGTCCCTGAGTCACGGCGGCGGCGGCGGCGGCGGCGGGGGAGGCCAGGAGGCCGGC-3'
Protein context (NP_001444.2, residues 430-450): DYSLPPVTSS[Ser440Arg]SSSLSHGGGG